The following is an entry in ClinVar:

NM_001830.4(CLCN4):c.1430C>A (p.Ala477Glu)

Gene: CLCN4 (chloride voltage-gated channel 4; plus strand). Cytogenetic location: Xp22.2.
Variant type: single nucleotide variant.
Coding change: c.1430C>A on transcript NM_001830.4 (MANE Select); coding-DNA position 1430, C replaced by A.
Protein change: p.Ala477Glu; replaces alanine 477 with glutamic acid.
Molecular consequence: missense variant.
Genome position (GRCh38, 1-based): chrX:10,212,507, C>A. VCF-style: chrX-10212507-C-A. GRCh37 (hg19) VCF-style: chrX-10180547-C-A.
Other names: c.1148C>A, p.Ala383Glu (NM_001256944.2); short protein forms A383E, A477E.
Identifiers: ClinVar variation 4746259 (VCV004746259.1).

ClinVar aggregate classification (germline): Uncertain significance (1 of 4 stars; one submission).

Submission:

Labcorp Genetics (formerly Invitae), Labcorp
Classification: Uncertain significance. Last evaluated: 2025-05-07. Review status: criteria provided, single submitter. Criteria: Invitae Variant Classification Sherloc (09022015). Collection method: clinical testing. Allele origin: germline.
Comment: This sequence change replaces alanine, which is neutral and non-polar, with glutamic acid, which is acidic and polar, at codon 477 of the CLCN4 protein (p.Ala477Glu). This variant is not present in population databases (gnomAD no frequency). This variant has not been reported in the literature in individuals affected with CLCN4-related conditions. Invitae Evidence Modeling of protein sequence and biophysical properties (such as structural, functional, and spatial information, amino acid conservation, physicochemical variation, residue mobility, and thermodynamic stability) indicates that this missense variant is expected to disrupt CLCN4 protein function with a positive predictive value of 95%. In summary, the available evidence is currently insufficient to determine the role of this variant in disease. Therefore, it has been classified as a Variant of Uncertain Significance.